The following is an entry in ClinVar:

ClinVar aggregate classification (germline): Pathogenic (1 of 4 stars; one submission).

Conditions:
Autosomal recessive ataxia, Beauce type. Also called: SYNE1 Deficiency; Spinocerebellar ataxia, autosomal recessive 8; ATAXIA, RECESSIVE, OF BEAUCE; SYNE1-Related Autosomal Recessive Cerebellar Ataxia. Identifiers: Orphanet 88644, MedGen C1853116, MONDO:0012549, OMIM 610743.

Submission:

Undiagnosed Diseases Network, NIH
Classification: Pathogenic for Autosomal recessive ataxia, Beauce type. Last evaluated: 2016-10-04. Review status: criteria provided, single submitter. Criteria: ACMG Guidelines, 2015. Collection method: clinical testing. Allele origin: unknown. Inheritance: Autosomal recessive inheritance. Affected: yes. Observed: 1 variant allele, 1 homozygote. Study: Undiagnosed Diseases Network (NIH), UDN.

NM_182961.4(SYNE1):c.1369del (p.Asp457fs)

Gene: SYNE1 (spectrin repeat containing nuclear envelope protein 1; minus strand). Cytogenetic location: 6q25.2.
Variant type: Deletion.
Coding change: c.1369del on transcript NM_182961.4 (MANE Select); coding-DNA position 1369, one base deleted (G; older notation c.1369delG).
Protein change: p.Asp457fs; shifts the reading frame from aspartic acid 457.
Molecular consequence: frameshift variant.
Genome position (GRCh38, 1-based): chr6:152,472,395, C deleted on the plus strand (G on the coding strand, the reverse complement: SYNE1 is on the minus strand); the first of 2 consecutive C bases (chr6:152,472,395-152,472,396); deleting either gives the same sequence. VCF-style (leftmost placement, unchanged base first): chr6-152472394-TC-T. GRCh37 (hg19) VCF-style: chr6-152793529-TC-T.
Other names: c.1390del, p.Asp464fs (NM_033071.5); short protein forms D464fs, D457fs.
Identifiers: ClinVar variation 522811 (VCV000522811.3), dbSNP rs1554768245, ClinGen allele CA658796853.